The following is an entry in ClinVar:

NM_001204.7(BMPR2):c.1364G>C (p.Arg455Thr)

Gene: BMPR2 (bone morphogenetic protein receptor type 2; plus strand). Cytogenetic location: 2q33.2.
Variant type: single nucleotide variant.
Coding change: c.1364G>C on transcript NM_001204.7 (MANE Select); coding-DNA position 1364, G replaced by C.
Protein change: p.Arg455Thr; replaces arginine 455 with threonine.
Molecular consequence: missense variant.
Genome position (GRCh38, 1-based): chr2:202,542,398, G>C. VCF-style: chr2-202542398-G-C. GRCh37 (hg19) VCF-style: chr2-203407121-G-C.
Other names: short protein forms R455T.
Identifiers: ClinVar variation 4598083 (VCV004598083.1).
Genomic context (GRCh38, chr2:202,542,398, plus strand): 5'-CTTTTCAGACAGAGGTTGGAAACCATCCCACTTTTGAGGATATGCAGGTTCTCGTGTCTA[G>C]GGAAAAACAGAGACCCAAGTTCCCAGAAGCCTGGAAAGAAAATAGCCTGGTAAGAAAAAA-3'
Protein context (NP_001195.2, residues 445-465): TFEDMQVLVS[Arg455Thr]EKQRPKFPEA

ClinVar aggregate classification (germline): Uncertain significance (1 of 4 stars; one submission).

Conditions:
Inborn genetic diseases. Identifiers: MedGen C0950123, MeSH D030342.

gnomAD v4.1: 2 of 1,614,008 alleles (0.00012%); highest among the groups gnomAD compares: Admixed American, 0.0017%; no homozygotes.

Submission:

Ambry Genetics
Classification: Uncertain significance for Inborn genetic diseases. Last evaluated: 2025-12-10. Review status: criteria provided, single submitter. Criteria: Ambry Variant Classification Scheme 2023. Collection method: clinical testing. Allele origin: germline.
Comment: The p.R455T variant (also known as c.1364G>C), located in coding exon 10 of the BMPR2 gene, results from a G to C substitution at nucleotide position 1364. The arginine at codon 455 is replaced by threonine, an amino acid with similar properties. This amino acid position is conserved. In addition, the in silico prediction for this alteration is inconclusive. Based on the available evidence, the clinical significance of this variant remains unclear.